The following is an entry in ClinVar:

NM_001366207.1(DLG1):c.271A>G (p.Thr91Ala)

Gene: DLG1 (discs large MAGUK scaffold protein 1; minus strand). Cytogenetic location: 3q29.
Variant type: single nucleotide variant.
Coding change: c.271A>G on transcript NM_001366207.1 (MANE Select); coding-DNA position 271, A replaced by G.
Protein change: p.Thr91Ala; replaces threonine 91 with alanine.
Molecular consequence: missense variant. On other transcripts: non-coding transcript variant (2).
Genome position (GRCh38, 1-based): chr3:197,282,726, T>C on the plus strand (A>G on the coding strand, the complement: DLG1 is on the minus strand). VCF-style: chr3-197282726-T-C. GRCh37 (hg19) VCF-style: chr3-197009597-T-C.
Other names: c.271A>G, p.Thr91Ala (NM_001098424.1, NM_001204386.1, NM_001290983.2 and 19 more transcripts); short protein forms T91A.
Identifiers: ClinVar variation 4990169 (VCV004990169.1).

ClinVar aggregate classification (germline): Uncertain significance (1 of 4 stars; one submission).

Conditions:
DLG1-related disorder. Also called: DLG1-related condition.

gnomAD v4.1: 3 of 1,611,684 alleles (0.00019%); highest among the groups gnomAD compares: South Asian, 0.0011%; no homozygotes.

Submission:

PreventionGenetics, part of Exact Sciences
Classification: Uncertain significance for DLG1-related condition. Last evaluated: 2025-03-31. Review status: criteria provided, single submitter. Criteria: ACMG Guidelines, 2015. Collection method: clinical testing. Allele origin: germline.
Comment: The DLG1 c.271A>G variant is predicted to result in the amino acid substitution p.Thr91Ala. To our knowledge, this variant has not been reported in the literature or in a large population database (gnomAD), indicating this variant is rare. At this time, the clinical significance of this variant is uncertain due to the absence of conclusive functional and genetic evidence.